The following is an entry in ClinVar:

NM_007294.4(BRCA1):c.3917del (p.Asp1305_Leu1306insTer)

Genes: BRCA1 (BRCA1 DNA repair associated; minus strand), LOC126862571 (BRD4-independent group 4 enhancer GRCh37_chr17:41243136-41244335; plus strand). Cytogenetic location: 17q21.31.
Variant type: Deletion.
Coding change: c.3917del on transcript NM_007294.4 (MANE Select); coding-DNA position 3917, one base deleted (T; older notation c.3917delT).
Protein change: p.Asp1305_Leu1306insTer.
Molecular consequence: nonsense. On other transcripts: frameshift variant (1), intron variant (135).
Genome position (GRCh38, 1-based): chr17:43,091,614, A deleted on the plus strand (T on the coding strand, the reverse complement: BRCA1 is on the minus strand); the first of 2 consecutive A bases (chr17:43,091,614-43,091,615); deleting either gives the same sequence. VCF-style (leftmost placement, unchanged base first): chr17-43091613-CA-C. GRCh37 (hg19) VCF-style: chr17-41243630-CA-C.
Other names: 4036delT; c.3704del, p.Asp1234_Leu1235insTer (NM_001407571.1, NM_001407853.1, NM_001407894.1 and 9 more transcripts); c.3917del, p.Asp1305_Leu1306insTer (NM_001407581.1, NM_001407582.1, NM_001407583.1 and 30 more transcripts); c.3914del, p.Asp1304_Leu1305insTer (NM_001407587.1, NM_001407590.1, NM_001407591.1 and 22 more transcripts); c.3908del, p.Asp1302_Leu1303insTer (NM_001407646.1, NM_001407647.1); c.3794del, p.Asp1264_Leu1265insTer (NM_001407648.1, NM_001407664.1, NM_001407665.1 and 19 more transcripts); c.3791del, p.Asp1263_Leu1264insTer (NM_001407649.1, NM_001407670.1, NM_001407671.1 and 11 more transcripts); c.3839del, p.Asp1279_Leu1280insTer (NM_001407653.1, NM_001407654.1, NM_001407655.1 and 4 more transcripts); and 43 more.
Identifiers: ClinVar variation 266417 (VCV000266417.7), dbSNP rs886040175, ClinGen allele CA10589714.

ClinVar aggregate classification (germline): Pathogenic. Review status: reviewed by expert panel (3 of 4 stars). 3 submissions from 3 submitters: Pathogenic (1). 2 of the submissions do not count toward it. Last evaluated 2016-10-18.

Conditions:
Breast-ovarian cancer, familial, susceptibility to, 1 (BROVCA1). Also called: BRCA1 Hereditary Breast and Ovarian Cancer; OVARIAN CANCER, SUSCEPTIBILITY TO. Identifiers: Orphanet 145, MedGen C2676676, MONDO:0011450, OMIM 604370. Disease mechanism: loss of function.

Submissions (3):

Evidence-based Network for the Interpretation of Germline Mutant Alleles (ENIGMA)
Classification: Pathogenic for Breast-ovarian cancer, familial, susceptibility to, 1. Last evaluated: 2016-10-18. Review status: reviewed by expert panel. Criteria: ENIGMA BRCA1/2 Classification Criteria (2015). Collection method: curation. Allele origin: germline.
Comment: Variant allele predicted to encode a truncated non-functional protein.

Myriad Genetics, Inc.
Classification: Pathogenic for Breast-ovarian cancer, familial, susceptibility to, 1. Last evaluated: 2023-01-31. Review status: criteria provided, single submitter. Criteria: Myriad Autosomal Dominant, Autosomal Recessive and X-Linked Classification Criteria (2023). Collection method: clinical testing. Allele origin: unknown. Not counted in ClinVar's aggregate classification.
Comment: This variant is considered pathogenic. This variant creates a termination codon and is predicted to result in premature protein truncation.

Consortium of Investigators of Modifiers of BRCA1/2 (CIMBA), c/o University of Cambridge
Classification: Pathogenic for Breast-ovarian cancer, familial, susceptibility to, 1. Last evaluated: 2015-10-02. Review status: criteria provided, single submitter. Criteria: CIMBA Mutation Classification guidelines May 2016. Collection method: clinical testing. Allele origin: germline. Not counted in ClinVar's aggregate classification.